The following is an entry in ClinVar:

ClinVar aggregate classification (germline): Uncertain significance (1 of 4 stars; one submission).

Conditions:
Inborn genetic diseases. Identifiers: MedGen C0950123, MeSH D030342.

Submission:

Ambry Genetics
Classification: Uncertain significance for Inborn genetic diseases. Last evaluated: 2023-02-21. Review status: criteria provided, single submitter. Criteria: Ambry Variant Classification Scheme 2023. Collection method: clinical testing. Allele origin: germline.
Comment: The c.63_83del21 (p.V25_A31del) alteration is located in exon 1 (coding exon 1) of the DEAF1 gene. This alteration consists of an in-frame deletion of 21 nucleotides between nucleotide positions c.63 and c.83, resulting in the deletion of <NA> residues. Based on insufficient or conflicting evidence, the clinical significance of this alteration remains unclear.

NM_021008.4(DEAF1):c.63_83del (p.Val25_Ala31del)

Gene: DEAF1 (DEAF1 transcription factor; minus strand). Cytogenetic location: 11p15.5.
Variant type: Deletion.
Coding change: c.63_83del on transcript NM_021008.4 (MANE Select); coding-DNA positions 63 to 83, 21 bases deleted (CGCGGCCGCTGTGGCGGCGGC).
Protein change: p.Val25_Ala31del.
Molecular consequence: inframe deletion. On other transcripts: inframe indel (1), intron variant (1).
Genome position (GRCh38, 1-based): chr11:694,965-694,985, GCCGCCGCCACAGCGGCCGCG deleted on the plus strand (CGCGGCCGCTGTGGCGGCGGC on the coding strand, the reverse complement: DEAF1 is on the minus strand); deleting any 21 consecutive bases within chr11:694,965-694,991 gives the same sequence; the c. name uses the placement nearest the transcript's 3' end. VCF-style (leftmost placement, unchanged base first): chr11-694964-CGCCGCCGCCACAGCGGCCGCG-C. GRCh37 (hg19) VCF-style: chr11-694964-CGCCGCCGCCACAGCGGCCGCG-C.
Other names: c.57_77del21, p.Val25_Ala31del (NM_001293634.2); c.-437-3387_-437-3367del (NM_001367390.1).
Identifiers: ClinVar variation 2480858 (VCV002480858.2), dbSNP rs1019773058, ClinGen allele CA216910942.